The following is an entry in ClinVar:

NM_002968.3(SALL1):c.2638C>G (p.Gln880Glu)

Gene: SALL1 (spalt like transcription factor 1; minus strand). Cytogenetic location: 16q12.1.
Variant type: single nucleotide variant.
Coding change: c.2638C>G on transcript NM_002968.3 (MANE Select); coding-DNA position 2638, C replaced by G.
Protein change: p.Gln880Glu; replaces glutamine 880 with glutamic acid.
Molecular consequence: missense variant.
Genome position (GRCh38, 1-based): chr16:51,139,584, G>C on the plus strand (C>G on the coding strand, the complement: SALL1 is on the minus strand). VCF-style: chr16-51139584-G-C. GRCh37 (hg19) VCF-style: chr16-51173495-G-C.
Other names: c.2347C>G, p.Gln783Glu (NM_001127892.2); short protein forms Q783E, Q880E.
Identifiers: ClinVar variation 3029546 (VCV003029546.2), dbSNP rs2506485937, ClinGen allele CA395884216.

ClinVar aggregate classification (germline): Uncertain significance (0 of 4 stars; one submission).

Conditions:
SALL1-related disorder. Also called: SALL1-related condition.

Submission:

PreventionGenetics, part of Exact Sciences
Classification: Uncertain significance for SALL1-related condition. Last evaluated: 2024-01-13. Review status: no assertion criteria provided. Collection method: clinical testing. Allele origin: germline.
Comment: The SALL1 c.2638C>G variant is predicted to result in the amino acid substitution p.Gln880Glu. To our knowledge, this variant has not been reported in the literature or in a large population database, indicating this variant is rare. At this time, the clinical significance of this variant is uncertain due to the absence of conclusive functional and genetic evidence.